The following is an entry in ClinVar:

NM_002087.4(GRN):c.30A>C (p.Leu10Phe)

Gene: GRN (granulin precursor; plus strand). Cytogenetic location: 17q21.31.
Variant type: single nucleotide variant.
Coding change: c.30A>C on transcript NM_002087.4 (MANE Select); coding-DNA position 30, A replaced by C.
Protein change: p.Leu10Phe; replaces leucine 10 with phenylalanine.
Molecular consequence: missense variant.
Genome position (GRCh38, 1-based): chr17:44,349,194, A>C. VCF-style: chr17-44349194-A-C. GRCh37 (hg19) VCF-style: chr17-42426562-A-C.
Other names: short protein forms L10F.
Identifiers: ClinVar variation 2100475 (VCV002100475.4), dbSNP rs1256353751, ClinGen allele CA399759073.

ClinVar aggregate classification (germline): Uncertain significance (1 of 4 stars; one submission).

Conditions:
Neuronal ceroid lipofuscinosis 11. Also called: GRN-Related Neuronal Ceroid-Lipofuscinosis. Identifiers: Orphanet 314629, Orphanet 79262, MedGen C3539123, MONDO:0013866, OMIM 614706.
GRN-related frontotemporal lobar degeneration with Tdp43 inclusions (FTD2). Also called: DEMENTIA, HEREDITARY DYSPHASIC DISINHIBITION; FRONTOTEMPORAL LOBAR DEGENERATION WITH UBIQUITIN-POSITIVE INCLUSIONS; FTLD-TDP, GRN-RELATED; GRN Frontotemporal Dementia; FRONTOTEMPORAL DEMENTIA WITH TDP43 INCLUSIONS, GRN-RELATED. Identifiers: Orphanet 100070, Orphanet 282, MedGen C1843792, MONDO:0011842, OMIM 607485. Disease mechanism: loss of function.

Submission:

Labcorp Genetics (formerly Invitae), Labcorp
Classification: Uncertain significance for Neuronal ceroid lipofuscinosis 11; GRN-related frontotemporal lobar degeneration with Tdp43 inclusions. Last evaluated: 2022-03-28. Review status: criteria provided, single submitter. Criteria: Invitae Variant Classification Sherloc (09022015). Collection method: clinical testing. Allele origin: germline.
Comment: In summary, the available evidence is currently insufficient to determine the role of this variant in disease. Therefore, it has been classified as a Variant of Uncertain Significance. Algorithms developed to predict the effect of missense changes on protein structure and function output the following: SIFT: "Tolerated"; PolyPhen-2: "Benign"; Align-GVGD: "Class C0". The phenylalanine amino acid residue is found in multiple mammalian species, which suggests that this missense change does not adversely affect protein function. This variant has not been reported in the literature in individuals affected with GRN-related conditions. This variant is not present in population databases (gnomAD no frequency). This sequence change replaces leucine, which is neutral and non-polar, with phenylalanine, which is neutral and non-polar, at codon 10 of the GRN protein (p.Leu10Phe).